The following is an entry in ClinVar:

ClinVar aggregate classification (germline): Uncertain significance (1 of 4 stars; one submission).

Conditions:
Autosomal recessive mendelian susceptibility to mycobacterial diseases due to complete RORgamma receptor deficiency. Also called: Immunodeficiency 42. Identifiers: Orphanet 477857, MedGen C5567647, MONDO:0014710, OMIM 616622.

Submission:

Labcorp Genetics (formerly Invitae), Labcorp
Classification: Uncertain significance for Autosomal recessive mendelian susceptibility to mycobacterial diseases due to complete RORgamma receptor deficiency. Last evaluated: 2021-12-06. Review status: criteria provided, single submitter. Criteria: Invitae Variant Classification Sherloc (09022015). Collection method: clinical testing. Allele origin: germline.
Comment: This variant has not been reported in the literature in individuals affected with RORC-related conditions. Algorithms developed to predict the effect of missense changes on protein structure and function output the following: SIFT: "Tolerated"; PolyPhen-2: "Benign"; Align-GVGD: "Class C0". The alanine amino acid residue is found in multiple mammalian species, which suggests that this missense change does not adversely affect protein function. In summary, the available evidence is currently insufficient to determine the role of this variant in disease. Therefore, it has been classified as a Variant of Uncertain Significance. This variant is not present in population databases (gnomAD no frequency). This sequence change replaces glycine, which is neutral and non-polar, with alanine, which is neutral and non-polar, at codon 152 of the RORC protein (p.Gly152Ala).

NM_005060.4(RORC):c.455G>C (p.Gly152Ala)

Gene: RORC (RAR related orphan receptor C; minus strand). Cytogenetic location: 1q21.3.
Variant type: single nucleotide variant.
Coding change: c.455G>C on transcript NM_005060.4 (MANE Select); coding-DNA position 455, G replaced by C.
Protein change: p.Gly152Ala; replaces glycine 152 with alanine.
Molecular consequence: missense variant.
Genome position (GRCh38, 1-based): chr1:151,815,269, C>G on the plus strand (G>C on the coding strand, the complement: RORC is on the minus strand). VCF-style: chr1-151815269-C-G. GRCh37 (hg19) VCF-style: chr1-151787745-C-G.
Other names: c.392G>C, p.Gly131Ala (NM_001001523.2); short protein forms G131A, G152A.
Identifiers: ClinVar variation 1477203 (VCV001477203.6), dbSNP rs1651714174, ClinGen allele CA342017061.